The following is an entry in ClinVar:

NM_004390.5(CTSH):c.932+5G>A

Gene: CTSH (cathepsin H; minus strand). Cytogenetic location: 15q25.1.
Variant type: single nucleotide variant.
Coding change: c.932+5G>A on transcript NM_004390.5 (MANE Select); 5 bases into the intron after coding-DNA position 932, G replaced by A.
Molecular consequence: intron variant.
Genome position (GRCh38, 1-based): chr15:78,922,988, C>T on the plus strand (G>A on the coding strand, the complement: CTSH is on the minus strand). VCF-style: chr15-78922988-C-T. GRCh37 (hg19) VCF-style: chr15-79215330-C-T.
Other names: c.530+5G>A (NM_001319137.2); c.818+5G>A (NM_001411095.1).
Identifiers: ClinVar variation 4981431 (VCV004981431.1).

ClinVar aggregate classification (germline): Likely benign (1 of 4 stars; one submission).

Conditions:
CTSH-related disorder. Also called: CTSH-related condition.

gnomAD v4.1: 8 of 1,606,562 alleles (0.0005%); highest among the groups gnomAD compares: Middle Eastern, 0.017%; no homozygotes.

Submission:

PreventionGenetics, part of Exact Sciences
Classification: Likely benign for CTSH-related condition. Last evaluated: 2025-07-29. Review status: criteria provided, single submitter. Criteria: ACMG Guidelines, 2015. Collection method: clinical testing. Allele origin: germline.
Comment: This variant is classified as likely benign based on ACMG/AMP sequence variant interpretation guidelines (Richards et al. 2015 PMID: 25741868, with internal and published modifications).